The following is an entry in ClinVar:

ClinVar aggregate classification (germline): Uncertain significance. Review status: criteria provided, multiple submitters, no conflicts (2 of 4 stars). 2 submissions from 2 submitters: Uncertain significance (2). Last evaluated 2024-03-18.

Conditions:
Hereditary cancer-predisposing syndrome. Also called: Neoplastic Syndromes, Hereditary; Hereditary Cancer Syndrome; Tumor predisposition; Hereditary neoplastic syndrome. Identifiers: Orphanet 140162, MedGen C0027672, MeSH D009386, MONDO:0015356.
Familial cancer of breast. Also called: Hereditary breast cancer; BREAST CANCER, FAMILIAL; hereditary breast carcinoma. Identifiers: Orphanet 227535, MedGen C0346153, MONDO:0016419, OMIM 114480. Disease mechanism: loss of function.

Submissions (2):

Labcorp Genetics (formerly Invitae), Labcorp
Classification: Uncertain significance for Familial cancer of breast. Last evaluated: 2024-03-18. Review status: criteria provided, single submitter. Criteria: Invitae Variant Classification Sherloc (09022015). Collection method: clinical testing. Allele origin: germline.
Comment: This sequence change disrupts the translational stop signal of the CHEK2 mRNA. It is expected to extend the length of the CHEK2 protein by 48 additional amino acid residues. This variant is not present in population databases (gnomAD no frequency). This variant has not been reported in the literature in individuals affected with CHEK2-related conditions. ClinVar contains an entry for this variant (Variation ID: 1377918). Experimental studies and prediction algorithms are not available or were not evaluated, and the functional significance of this variant is currently unknown. In summary, the available evidence is currently insufficient to determine the role of this variant in disease. Therefore, it has been classified as a Variant of Uncertain Significance.

Ambry Genetics
Classification: Uncertain significance for Hereditary cancer-predisposing syndrome. Last evaluated: 2015-07-02. Review status: criteria provided, single submitter. Criteria: Ambry Variant Classification Scheme 2023. Collection method: clinical testing. Allele origin: germline.
Comment: The c.1630T>C variant, located in coding exon 14 of the CHEK2 gene, results from a T to C substitution at nucleotide position 1630. The stop codon at position 544 is replaced by an arginine, resulting in an elongation of the protein by 48 amino acids. The exact functional impact of these inserted amino acids is unknown at this time. This variant was not reported in population based cohorts in the following databases: Database of Single Nucleotide Polymorphisms (dbSNP), NHLBI Exome Sequencing Project (ESP), and 1000 Genomes Project. In the ESP, this variant was not observed in 3667 samples (7334 alleles) with coverage at this position. To date, this alteration has been detected with an allele frequency of approximately 0.001% (greater than 72000 alleles tested) in our clinical cohort. This nucleotide position is well conserved in available vertebrate species. Since supporting evidence is limited at this time, the clinical significance of c.1630T>C remains unclear.

NM_007194.4(CHEK2):c.1630T>C (p.Ter544Arg)

Gene: CHEK2 (checkpoint kinase 2; minus strand). Cytogenetic location: 22q12.1.
Variant type: single nucleotide variant.
Coding change: c.1630T>C on transcript NM_007194.4 (MANE Select); coding-DNA position 1630, T replaced by C.
Protein change: p.Ter544Arg.
Molecular consequence: stop lost.
Genome position (GRCh38, 1-based): chr22:28,687,899, A>G on the plus strand (T>C on the coding strand, the complement: CHEK2 is on the minus strand). VCF-style: chr22-28687899-A-G. GRCh37 (hg19) VCF-style: chr22-29083887-A-G.
Other names: c.1759T>C, p.Ter587Arg (NM_001005735.3); c.967T>C, p.Ter323Arg (NM_001257387.3); c.1429T>C, p.Ter477Arg (NM_001349956.3); c.1543T>C, p.Ter515Arg (NM_145862.3).
Identifiers: ClinVar variation 1377918 (VCV001377918.9), dbSNP rs2052179845, ClinGen allele CA411090955.
Genomic context (GRCh38, chr22:28,687,899, plus strand): 5'-AAAAGAAAGATGACAGAGTGAAAGAAGGTACATTTCTTTCGTGTTCAAACCACGGAGTTC[A>G]CAACACAGCAGCACACACAGCTGGGCGCTTTGTGGTCTCGGCACCCTCGGCTTCCCCTTC-3'